The following is an entry in ClinVar:

ClinVar aggregate classification (germline): Uncertain significance (1 of 4 stars; one submission).

Conditions:
Nicolaides-Baraitser syndrome (NCBRS). Also called: Intellectual disability-sparse hair-brachydactyly syndrome; SMARCA2-Related Nicolaides-Baraitser Syndrome. Identifiers: Orphanet 3051, MedGen C1303073, MONDO:0011053, OMIM 601358.

gnomAD v4.1: 1 of 1,580,692 alleles (0.000063%); no homozygotes.

Submission:

3billion
Classification: Uncertain significance for Nicolaides-Baraitser syndrome. Last evaluated: 2022-05-22. Review status: criteria provided, single submitter. Criteria: ACMG Guidelines, 2015. Collection method: clinical testing. Allele origin: germline. Affected: yes. Observed: 1 heterozygote.
Comment: The variant is not observed in the gnomAD v2.1.1 dataset. Missense changes are a common disease-causing mechanism. In silico tool predictions suggest damaging effect of the variant on gene or gene product (REVEL: 0.78; 3Cnet: 0.98). Therefore, this variant is classified as uncertain significanceaccording to the recommendation of ACMG/AMP guideline.

NM_003070.5(SMARCA2):c.2508C>A (p.Asp836Glu)

Gene: SMARCA2 (SWI/SNF related BAF chromatin remodeling complex subunit ATPase 2; plus strand). Cytogenetic location: 9p24.3.
Variant type: single nucleotide variant.
Coding change: c.2508C>A on transcript NM_003070.5 (MANE Select); coding-DNA position 2508, C replaced by A.
Protein change: p.Asp836Glu; replaces aspartic acid 836 with glutamic acid.
Molecular consequence: missense variant.
Genome position (GRCh38, 1-based): chr9:2,084,178, C>A. VCF-style: chr9-2084178-C-A. GRCh37 (hg19) VCF-style: chr9-2084178-C-A.
Other names: c.2508C>A, p.Asp836Glu (NM_001289396.2, NM_001289397.2, NM_139045.4); short protein forms D836E.
Identifiers: ClinVar variation 1687150 (VCV001687150.1), dbSNP rs2130475008, ClinGen allele CA372784730.